The following is an entry in ClinVar:

NM_138576.4(BCL11B):c.2089C>T (p.Pro697Ser)

Gene: BCL11B (BCL11 transcription factor B; minus strand). Cytogenetic location: 14q32.2.
Variant type: single nucleotide variant.
Coding change: c.2089C>T on transcript NM_138576.4 (MANE Select); coding-DNA position 2089, C replaced by T.
Protein change: p.Pro697Ser; replaces proline 697 with serine.
Molecular consequence: missense variant.
Genome position (GRCh38, 1-based): chr14:99,174,747, G>A on the plus strand (C>T on the coding strand, the complement: BCL11B is on the minus strand). VCF-style: chr14-99174747-G-A. GRCh37 (hg19) VCF-style: chr14-99641084-G-A.
Other names: c.2086C>T, p.Pro696Ser (NM_001282237.2); c.1873C>T, p.Pro625Ser (NM_001282238.2); c.1876C>T, p.Pro626Ser (NM_022898.3); short protein forms P625S, P696S, P626S, P697S.
Identifiers: ClinVar variation 1469371 (VCV001469371.8), dbSNP rs145319589, ClinGen allele CA7339547.
Genomic context (GRCh38, chr14:99,174,747, plus strand): 5'-CCGCGTAGCCCACCAGCCACTGCGAGTACACGTTCTCGGACGGGATGAGCGCGGCGGGCG[G>A]CAGCTCCAGGTCCTTCTCCACCTTGATGCGCTTGGCGGCGCTGTTGAGCCCGGGGCTGGG-3'
Protein context (NP_612808.1, residues 687-707): RIKVEKDLEL[Pro697Ser]PAALIPSENV

ClinVar aggregate classification (germline): Uncertain significance (1 of 4 stars; one submission).

Allele frequency attached by ClinVar (database versions not stated): ExAC 0.00001; gnomAD exomes 0.00001; TOPMed 0.00001; gnomAD 0.00002; ESP Exome Variant Server 0.00008.
gnomAD v4.1: 13 of 1,520,558 alleles (0.00085%); highest among the groups gnomAD compares: Non-Finnish European, 0.0011%; no homozygotes.

Submission:

Labcorp Genetics (formerly Invitae), Labcorp
Classification: Uncertain significance. Last evaluated: 2025-08-29. Review status: criteria provided, single submitter. Criteria: Invitae Variant Classification Sherloc (09022015). Collection method: clinical testing. Allele origin: germline.
Comment: This sequence change replaces proline, which is neutral and non-polar, with serine, which is neutral and polar, at codon 697 of the BCL11B protein (p.Pro697Ser). The frequency data for this variant in the population databases is considered unreliable, as metrics indicate poor data quality at this position in the gnomAD database. This variant has not been reported in the literature in individuals affected with BCL11B-related conditions. ClinVar contains an entry for this variant (Variation ID: 1469371). Invitae Evidence Modeling of protein sequence and biophysical properties (such as structural, functional, and spatial information, amino acid conservation, physicochemical variation, residue mobility, and thermodynamic stability) has been performed for this missense variant. However, the output from this modeling did not meet the statistical confidence thresholds required to predict the impact of this variant on BCL11B protein function. In summary, the available evidence is currently insufficient to determine the role of this variant in disease. Therefore, it has been classified as a Variant of Uncertain Significance.